The following is an entry in ClinVar:

NM_000222.3(KIT):c.82T>A (p.Ser28Thr)

Gene: KIT (KIT proto-oncogene, receptor tyrosine kinase; plus strand). Cytogenetic location: 4q12.
Variant type: single nucleotide variant.
Coding change: c.82T>A on transcript NM_000222.3 (MANE Select); coding-DNA position 82, T replaced by A.
Protein change: p.Ser28Thr; replaces serine 28 with threonine.
Molecular consequence: missense variant.
Genome position (GRCh38, 1-based): chr4:54,695,526, T>A. VCF-style: chr4-54695526-T-A. GRCh37 (hg19) VCF-style: chr4-55561692-T-A.
Other names: c.82T>A, p.Ser28Thr (NM_001093772.2, NM_001385284.1, NM_001385285.1 and 4 more transcripts); short protein forms S28T.
Identifiers: ClinVar variation 3723314 (VCV003723314.2).

ClinVar aggregate classification (germline): Uncertain significance (1 of 4 stars; one submission).

Conditions:
Gastrointestinal stromal tumor. Also called: Gastrointestinal stromal tumor, somatic; Gastrointestinal stroma tumor. Identifiers: Orphanet 44890, MedGen C0238198, MeSH D046152, MONDO:0011719, OMIM 606764, HP:0100723.

Submission:

Labcorp Genetics (formerly Invitae), Labcorp
Classification: Uncertain significance for Gastrointestinal stromal tumor. Last evaluated: 2024-10-20. Review status: criteria provided, single submitter. Criteria: Invitae Variant Classification Sherloc (09022015). Collection method: clinical testing. Allele origin: germline.
Comment: This sequence change replaces serine, which is neutral and polar, with threonine, which is neutral and polar, at codon 28 of the KIT protein (p.Ser28Thr). This variant is not present in population databases (gnomAD no frequency). This variant has not been reported in the literature in individuals affected with KIT-related conditions. An algorithm developed to predict the effect of missense changes on protein structure and function outputs the following: PolyPhen-2: "Benign". The threonine amino acid residue is found in multiple mammalian species, which suggests that this missense change does not adversely affect protein function. In summary, the available evidence is currently insufficient to determine the role of this variant in disease. Therefore, it has been classified as a Variant of Uncertain Significance.